The following is an entry in ClinVar:

NM_014915.3(ANKRD26):c.1250A>C (p.Glu417Ala)

Gene: ANKRD26 (ankyrin repeat domain containing 26; minus strand). Cytogenetic location: 10p12.1.
Variant type: single nucleotide variant.
Coding change: c.1250A>C on transcript NM_014915.3 (MANE Select); coding-DNA position 1250, A replaced by C.
Protein change: p.Glu417Ala; replaces glutamic acid 417 with alanine.
Molecular consequence: missense variant.
Genome position (GRCh38, 1-based): chr10:27,066,506, T>G on the plus strand (A>C on the coding strand, the complement: ANKRD26 is on the minus strand). VCF-style: chr10-27066506-T-G. GRCh37 (hg19) VCF-style: chr10-27355435-T-G.
Other names: c.1250A>C, p.Glu417Ala (NM_001256053.2); short protein forms E417A.
Identifiers: ClinVar variation 2576767 (VCV002576767.2), dbSNP rs749851783, ClinGen allele CA5448630.

ClinVar aggregate classification (germline): Uncertain significance. Review status: criteria provided, multiple submitters, no conflicts (2 of 4 stars). 2 submissions from 2 submitters: Uncertain significance (2). Last evaluated 2025-06-13.

Conditions:
Inborn genetic diseases. Identifiers: MedGen C0950123, MeSH D030342.

Allele frequency attached by ClinVar (database versions not stated): gnomAD 0.00001; gnomAD exomes 0.00002; ExAC 0.00003.
gnomAD v4.1: 22 of 1,599,588 alleles (0.0014%); highest among the groups gnomAD compares: South Asian, 0.024%; no homozygotes.

Submissions (2):

Ambry Genetics
Classification: Uncertain significance for Inborn genetic diseases. Last evaluated: 2025-06-13. Review status: criteria provided, single submitter. Criteria: Ambry Variant Classification Scheme 2023. Collection method: clinical testing. Allele origin: germline.
Comment: The p.E417A variant (also known as c.1250A>C), located in coding exon 11 of the ANKRD26 gene, results from an A to C substitution at nucleotide position 1250. The glutamic acid at codon 417 is replaced by alanine, an amino acid with dissimilar properties. This amino acid position is conserved. In addition, this alteration is predicted to be tolerated by in silico analysis. Based on the available evidence, the clinical significance of this variant remains unclear.

GeneDx
Classification: Uncertain significance. Last evaluated: 2023-02-16. Review status: criteria provided, single submitter. Criteria: GeneDx Variant Classification Process June 2021. Collection method: clinical testing. Allele origin: germline. Affected: yes.
Comment: In silico analysis supports that this missense variant has a deleterious effect on protein structure/function; Has not been previously published as pathogenic or benign to our knowledge